The following is an entry in ClinVar:

ClinVar aggregate classification (germline): Uncertain significance. Review status: criteria provided, multiple submitters, no conflicts (2 of 4 stars). 4 submissions from 4 submitters: Uncertain significance (4). Last evaluated 2026-03-18.

Conditions:
Dystonia 27 (DYT27). Identifiers: Orphanet 464440, MedGen C4225336, MONDO:0014627, OMIM 616411.
Bethlem myopathy 1A. Also called: Bethlem myopathy 1; Bethlem Muscular Dystrophy; MYOPATHY, BENIGN CONGENITAL, WITH CONTRACTURES. Identifiers: Orphanet 610, MedGen CN029274, MONDO:0024530, OMIM 158810.

gnomAD v4.1: 61 of 1,614,136 alleles (0.0038%); highest among the groups gnomAD compares: Non-Finnish European, 0.0052%; no homozygotes.

Submissions (4):

GeneDx
Classification: Uncertain significance. Last evaluated: 2026-03-18. Review status: criteria provided, single submitter. Criteria: GeneDx Variant Classification Process June 2021. Collection method: clinical testing. Allele origin: germline.
Comment: Has not been previously published as pathogenic or benign to our knowledge; Not observed at significant frequency in large population cohorts (gnomAD); In silico analysis supports that this missense variant has a deleterious effect on protein structure/function

Labcorp Genetics (formerly Invitae), Labcorp
Classification: Uncertain significance for Bethlem myopathy 1A. Last evaluated: 2025-12-31. Review status: criteria provided, single submitter. Criteria: Invitae Variant Classification Sherloc (09022015). Collection method: clinical testing. Allele origin: germline.
Comment: This sequence change replaces valine, which is neutral and non-polar, with phenylalanine, which is neutral and non-polar, at codon 650 of the COL6A3 protein (p.Val650Phe). This variant is present in population databases (rs149187225, gnomAD 0.0009%). This variant has not been reported in the literature in individuals affected with COL6A3-related conditions. ClinVar contains an entry for this variant (Variation ID: 2200318). Invitae Evidence Modeling of protein sequence and biophysical properties (such as structural, functional, and spatial information, amino acid conservation, physicochemical variation, residue mobility, and thermodynamic stability) indicates that this missense variant is not expected to disrupt COL6A3 protein function with a negative predictive value of 95%. In summary, the available evidence is currently insufficient to determine the role of this variant in disease. Therefore, it has been classified as a Variant of Uncertain Significance.

Department of Pathology and Laboratory Medicine, Sinai Health System
Classification: Uncertain significance for dystonia 27. Last evaluated: 2021-07-30. Review status: criteria provided, single submitter. Criteria: ACMG Guidelines, 2015. Collection method: research. Allele origin: germline.

Revvity Omics, Revvity
Classification: Uncertain significance. Last evaluated: 2019-09-06. Review status: criteria provided, single submitter. Criteria: ACMG Guidelines, 2015. Collection method: clinical testing. Allele origin: germline.

NM_004369.4(COL6A3):c.1948G>T (p.Val650Phe)

Gene: COL6A3 (collagen type VI alpha 3 chain; minus strand). Cytogenetic location: 2q37.3.
Variant type: single nucleotide variant.
Coding change: c.1948G>T on transcript NM_004369.4 (MANE Select); coding-DNA position 1948, G replaced by T.
Protein change: p.Val650Phe; replaces valine 650 with phenylalanine.
Molecular consequence: missense variant. On other transcripts: intron variant (1).
Genome position (GRCh38, 1-based): chr2:237,379,185, C>A on the plus strand (G>T on the coding strand, the complement: COL6A3 is on the minus strand). VCF-style: chr2-237379185-C-A. GRCh37 (hg19) VCF-style: chr2-238287828-C-A.
Other names: c.727G>T, p.Val243Phe (NM_057164.5); c.1330G>T, p.Val444Phe (NM_057165.5, NM_057167.4); c.676+1730G>T (NM_057166.5); short protein forms V444F, V650F, V243F.
Identifiers: ClinVar variation 2200318 (VCV002200318.9), dbSNP rs149187225, ClinGen allele CA67827105.